The following is an entry in ClinVar:

NM_032043.3(BRIP1):c.2906-10G>T

Gene: BRIP1 (BRCA1 interacting DNA helicase 1; minus strand). Cytogenetic location: 17q23.2.
Variant type: single nucleotide variant.
Coding change: c.2906-10G>T on transcript NM_032043.3 (MANE Select); 10 bases into the intron before coding-DNA position 2906, G replaced by T.
Molecular consequence: intron variant.
Genome position (GRCh38, 1-based): chr17:61,684,150, C>A on the plus strand (G>T on the coding strand, the complement: BRIP1 is on the minus strand). VCF-style: chr17-61684150-C-A. GRCh37 (hg19) VCF-style: chr17-59761511-C-A.
Identifiers: ClinVar variation 3378900 (VCV003378900.1).
Genomic context (GRCh38, chr17:61,684,150, plus strand): 5'-AAATCACAATTTTTTCTGCTTTCCCTGCTTCTTCCAGGAATACTGGATCATCTAAGAATA[C>A]AAGAATTTAAGAGATTTAACTTTCTGCTCCTAGCTAACATAATTGCTAGGTTAAAATAAT-3'

ClinVar aggregate classification (germline): Likely benign (1 of 4 stars; one submission).

Conditions:
Familial cancer of breast. Also called: hereditary breast carcinoma; Hereditary breast cancer; BREAST CANCER, FAMILIAL. Identifiers: Orphanet 227535, MedGen C0346153, MONDO:0016419, OMIM 114480. Disease mechanism: loss of function.

Submission:

Myriad Genetics, Inc.
Classification: Likely benign for Familial cancer of breast. Last evaluated: 2024-09-09. Review status: criteria provided, single submitter. Criteria: Myriad Autosomal Dominant, Autosomal Recessive and X-Linked Classification Criteria (2023). Collection method: clinical testing. Allele origin: unknown.
Comment: This variant is considered likely benign. This variant is intronic and is not expected to impact mRNA splicing.